The following is an entry in ClinVar:

NM_000059.4(BRCA2):c.5972C>G (p.Ala1991Gly)

Gene: BRCA2 (BRCA2 DNA repair associated; plus strand). Cytogenetic location: 13q13.1.
Variant type: single nucleotide variant.
Coding change: c.5972C>G on transcript NM_000059.4 (MANE Select); coding-DNA position 5972, C replaced by G.
Protein change: p.Ala1991Gly; replaces alanine 1991 with glycine.
Molecular consequence: missense variant. On other transcripts: non-coding transcript variant (1), intron variant (2).
Genome position (GRCh38, 1-based): chr13:32,340,327, C>G. VCF-style: chr13-32340327-C-G. GRCh37 (hg19) VCF-style: chr13-32914464-C-G.
Other names: c.5972C>G, p.Ala1991Gly (NM_001406719.1, NM_001406720.1); c.1910-4231C>G (NM_001406721.1); c.425-4231C>G (NM_001406722.1); short protein forms A1991G.
Identifiers: ClinVar variation 2451580 (VCV002451580.3), dbSNP rs80358829, ClinGen allele CA387787629.

ClinVar aggregate classification (germline): Uncertain significance. Review status: criteria provided, multiple submitters, no conflicts (2 of 4 stars). 2 submissions from 2 submitters: Uncertain significance (2). Last evaluated 2025-12-09.

Conditions:
Hereditary cancer-predisposing syndrome. Also called: Neoplastic Syndromes, Hereditary; Tumor predisposition; Hereditary neoplastic syndrome; Hereditary Cancer Syndrome. Identifiers: Orphanet 140162, MedGen C0027672, MeSH D009386, MONDO:0015356.

Allele frequency attached by ClinVar (database versions not stated): gnomAD exomes below 0.00001.
gnomAD v4.1: 1 of 1,614,002 alleles (0.000062%); highest among the groups gnomAD compares: Non-Finnish European, 0.000085%; no homozygotes.

Submissions (2):

Color Diagnostics, LLC DBA Color Health
Classification: Uncertain significance for Hereditary cancer-predisposing syndrome. Last evaluated: 2025-12-09. Review status: criteria provided, single submitter. Criteria: ACMG Guidelines, 2015. Collection method: clinical testing. Allele origin: germline.
Comment: This missense variant replaces alanine with glycine at codon 1991 of the BRCA2 protein. Computational prediction suggests that this variant may not impact protein structure and function. To our knowledge, functional studies have not been reported for this variant. This variant has not been reported in individuals affected with BRCA2-related disorders in the literature. This variant has been identified in 1/1614002 chromosomes in the general population by the Genome Aggregation Database (gnomAD). The available evidence is insufficient to determine the role of this variant in disease conclusively. Therefore, this variant is classified as a Variant of Uncertain Significance.

Ambry Genetics
Classification: Uncertain significance for Hereditary cancer-predisposing syndrome. Last evaluated: 2023-03-06. Review status: criteria provided, single submitter. Criteria: Ambry Variant Classification Scheme 2023. Collection method: clinical testing. Allele origin: germline.
Comment: The p.A1991G variant (also known as c.5972C>G), located in coding exon 10 of the BRCA2 gene, results from a C to G substitution at nucleotide position 5972. The alanine at codon 1991 is replaced by glycine, an amino acid with similar properties. This amino acid position is conserved. In addition, this alteration is predicted to be tolerated by in silico analysis. Since supporting evidence is limited at this time, the clinical significance of this alteration remains unclear.